The following is an entry in ClinVar:

ClinVar aggregate classification (germline): Conflicting classifications of pathogenicity. Review status: criteria provided, conflicting classifications (1 of 4 stars). 2 submissions from 2 submitters: Likely pathogenic (1); Uncertain significance (1). Last evaluated 2025-01-09.

Conditions:
Autosomal recessive nonsyndromic hearing loss 3. Also called: NEUROSENSORY NONSYNDROMIC RECESSIVE DEAFNESS 3. Identifiers: Orphanet 90636, MedGen C1838263, MONDO:0010860, OMIM 600316.

Allele frequency attached by ClinVar (database versions not stated): gnomAD exomes below 0.00001.
gnomAD v4.1: 1 of 1,613,828 alleles (0.000062%); highest among the groups gnomAD compares: East Asian, 0.0022%; no homozygotes.

Submissions (2):

Institute of Rare Diseases, West China Hospital, Sichuan University
Classification: Likely pathogenic for Autosomal recessive nonsyndromic hearing loss 3. Last evaluated: 2025-01-09. Review status: criteria provided, single submitter. Criteria: ClinGen HL ACMG Specifications v1. Collection method: research. Allele origin: germline. Affected: yes.
Comment: PM3_Strong;PM2_Supporting;PP3

Laboratory for Molecular Medicine, Mass General Brigham Personalized Medicine
Classification: Uncertain significance. Last evaluated: 2019-02-01. Review status: criteria provided, single submitter. Criteria: LMM Criteria. Collection method: clinical testing. Allele origin: germline. Observed: 2 variant alleles.
Comment: The p.Leu1649Phe variant in MYO15A has not been previously reported in individuals with hearing loss, but it has been identified in 1/17974 East Asian chromosomes by gnomAD. Computational prediction tools and conservation analysis suggest that this variant may impact the protein, though this information is not predictive enough to determine pathogenicity. In summary, the clinical significance of this variant is uncertain. ACMG/AMP Criteria applied: PM2_Supporting, PM3.

NM_016239.4(MYO15A):c.4945C>T (p.Leu1649Phe)

Gene: MYO15A (myosin XVA; plus strand). Cytogenetic location: 17p11.2.
Variant type: single nucleotide variant.
Coding change: c.4945C>T on transcript NM_016239.4 (MANE Select); coding-DNA position 4945, C replaced by T.
Protein change: p.Leu1649Phe; replaces leucine 1649 with phenylalanine.
Molecular consequence: missense variant.
Genome position (GRCh38, 1-based): chr17:18,138,184, C>T. VCF-style: chr17-18138184-C-T. GRCh37 (hg19) VCF-style: chr17-18041498-C-T.
Other names: short protein forms L1649F.
Identifiers: ClinVar variation 666877 (VCV000666877.6), dbSNP rs1257912388, ClinGen allele CA398597442.